The following is an entry in ClinVar:

NM_213720.3(CHCHD10):c.302C>T (p.Pro101Leu)

Gene: CHCHD10 (coiled-coil-helix-coiled-coil-helix domain containing 10; minus strand). Cytogenetic location: 22q11.23.
Variant type: single nucleotide variant.
Coding change: c.302C>T on transcript NM_213720.3 (MANE Select); coding-DNA position 302, C replaced by T.
Protein change: p.Pro101Leu; replaces proline 101 with leucine.
Molecular consequence: missense variant. On other transcripts: non-coding transcript variant (2).
Genome position (GRCh38, 1-based): chr22:23,766,235, G>A on the plus strand (C>T on the coding strand, the complement: CHCHD10 is on the minus strand). VCF-style: chr22-23766235-G-A. GRCh37 (hg19) VCF-style: chr22-24108422-G-A.
Other names: c.323C>T, p.Pro108Leu (NM_001301339.2); short protein forms P101L, P108L.
Identifiers: ClinVar variation 1052112 (VCV001052112.9), dbSNP rs776781535, ClinGen allele CA410914980.
Genomic context (GRCh38, chr22:23,766,235, plus strand): 5'-AGGGACAGGTCACTCTGAGTGGTGGAACAGTCCAGGAACTGCCTGATCTCGTAGGCGCAG[G>A]GCCCCATCTGCAGGGGCTGGGGGGCAGCGGGGGTGGGGGCCTGGGGGTACAGTGCAAGAG-3'
Protein context (NP_998885.1, residues 91-111): PAAPQPLQMG[Pro101Leu]CAYEIRQFLD

ClinVar aggregate classification (germline): Uncertain significance (1 of 4 stars; one submission).

Conditions:
Lower motor neuron syndrome with late-adult onset (SMAJ). Also called: Spinal muscular atrophy, Jokela type; Late-Onset Spinal Motor Neuronopathy (SMAJ). Identifiers: Orphanet 276435, MedGen C3554398, MONDO:0014025, OMIM 615048.
Frontotemporal dementia and/or amyotrophic lateral sclerosis 2. Also called: FTDALS2. Identifiers: Orphanet 275872, MedGen C4014648, MONDO:0014395, OMIM 615911.
Autosomal dominant mitochondrial myopathy with exercise intolerance (IMMD). Also called: Myopathy, isolated mitochondrial, autosomal dominant. Identifiers: Orphanet 457050, MedGen C4015513, MONDO:0014532, OMIM 616209.

Submission:

Labcorp Genetics (formerly Invitae), Labcorp
Classification: Uncertain significance for Lower motor neuron syndrome with late-adult onset; Frontotemporal dementia and/or amyotrophic lateral sclerosis 2; Autosomal dominant mitochondrial myopathy with exercise intolerance. Last evaluated: 2022-09-08. Review status: criteria provided, single submitter. Criteria: Invitae Variant Classification Sherloc (09022015). Collection method: clinical testing. Allele origin: germline.
Comment: This sequence change replaces proline, which is neutral and non-polar, with leucine, which is neutral and non-polar, at codon 101 of the CHCHD10 protein (p.Pro101Leu). This variant is not present in population databases (gnomAD no frequency). This variant has not been reported in the literature in individuals affected with CHCHD10-related conditions. ClinVar contains an entry for this variant (Variation ID: 1052112). Algorithms developed to predict the effect of missense changes on protein structure and function output the following: SIFT: "Deleterious"; PolyPhen-2: "Probably Damaging"; Align-GVGD: "Class C15". The leucine amino acid residue is found in multiple mammalian species, which suggests that this missense change does not adversely affect protein function. In summary, the available evidence is currently insufficient to determine the role of this variant in disease. Therefore, it has been classified as a Variant of Uncertain Significance.